The following is an entry in ClinVar:

NM_014003.4(DHX38):c.3569A>G (p.Gln1190Arg)

Gene: DHX38 (DEAH-box helicase 38; plus strand). Cytogenetic location: 16q22.2.
Variant type: single nucleotide variant.
Coding change: c.3569A>G on transcript NM_014003.4 (MANE Select); coding-DNA position 3569, A replaced by G.
Protein change: p.Gln1190Arg; replaces glutamine 1190 with arginine.
Molecular consequence: missense variant.
Genome position (GRCh38, 1-based): chr16:72,111,047, A>G. VCF-style: chr16-72111047-A-G. GRCh37 (hg19) VCF-style: chr16-72144946-A-G.
Other names: short protein forms Q1190R.
Identifiers: ClinVar variation 935136 (VCV000935136.6), dbSNP rs201257449, ClinGen allele CA8161033.

ClinVar aggregate classification (germline): Uncertain significance. Review status: criteria provided, multiple submitters, no conflicts (2 of 4 stars). 2 submissions from 2 submitters: Uncertain significance (2). Last evaluated 2022-10-29.

Allele frequency attached by ClinVar (database versions not stated): gnomAD 0.00002 and 0.00005; gnomAD exomes 0.00002 and 0.00008; TOPMed 0.00007; ExAC 0.00018; 1000 Genomes Project 30x 0.00078; 1000 Genomes Project 0.00080.
gnomAD v4.1: 28 of 1,573,874 alleles (0.0018%); highest among the groups gnomAD compares: East Asian, 0.063%; no homozygotes.

Submissions (2):

Blueprint Genetics
Classification: Uncertain significance. Last evaluated: 2022-10-29. Review status: criteria provided, single submitter. Criteria: ACMG Guidelines, 2015. Collection method: clinical testing. Allele origin: germline.

Labcorp Genetics (formerly Invitae), Labcorp
Classification: Uncertain significance. Last evaluated: 2022-04-26. Review status: criteria provided, single submitter. Criteria: Invitae Variant Classification Sherloc (09022015). Collection method: clinical testing. Allele origin: germline.
Comment: This sequence change replaces glutamine, which is neutral and polar, with arginine, which is basic and polar, at codon 1190 of the DHX38 protein (p.Gln1190Arg). This variant is present in population databases (rs201257449, gnomAD 0.1%). This variant has not been reported in the literature in individuals affected with DHX38-related conditions. ClinVar contains an entry for this variant (Variation ID: 935136). Algorithms developed to predict the effect of missense changes on protein structure and function (SIFT, PolyPhen-2, Align-GVGD) all suggest that this variant is likely to be tolerated. In summary, the available evidence is currently insufficient to determine the role of this variant in disease. Therefore, it has been classified as a Variant of Uncertain Significance.